The following is an entry in ClinVar:

NM_004446.3(EPRS1):c.2953C>T (p.Gln985Ter)

Gene: EPRS1 (glutamyl-prolyl-tRNA synthetase 1; minus strand). Cytogenetic location: 1q41.
Variant type: single nucleotide variant.
Coding change: c.2953C>T on transcript NM_004446.3 (MANE Select); coding-DNA position 2953, C replaced by T.
Protein change: p.Gln985Ter; replaces glutamine 985 with a stop codon.
Molecular consequence: nonsense.
Genome position (GRCh38, 1-based): chr1:219,987,227, G>A on the plus strand (C>T on the coding strand, the complement: EPRS1 is on the minus strand). VCF-style: chr1-219987227-G-A. GRCh37 (hg19) VCF-style: chr1-220160569-G-A.
Other names: short protein forms Q985*.
Identifiers: ClinVar variation 2865970 (VCV002865970.5), dbSNP rs2527974593, ClinGen allele CA344641598.

ClinVar aggregate classification (germline): Pathogenic. Review status: criteria provided, multiple submitters, no conflicts (2 of 4 stars). 2 submissions from 2 submitters: Pathogenic (2). Last evaluated 2024-12-18.

Conditions:
Leukodystrophy, hypomyelinating, 15. Identifiers: MedGen C4693733, MONDO:0054782, OMIM 617951.

Submissions (2):

Victorian Clinical Genetics Services, Murdoch Childrens Research Institute
Classification: Pathogenic for Leukodystrophy, hypomyelinating, 15. Last evaluated: 2024-12-18. Review status: criteria provided, single submitter. Criteria: ACMG Guidelines, 2015. Collection method: clinical testing. Allele origin: germline. Affected: yes.
Comment: This variant is classified as Pathogenic. Evidence in support of pathogenic classification: Variant is predicted to cause nonsense-mediated decay (NMD) and loss of protein (premature termination codon is located at least 54 nucleotides upstream of the final exon-exon junction); Variant is absent from gnomAD (v2, v3 and v4); This variant has limited previous evidence of pathogenicity in an unrelated individual(s). This variant has been classified as pathogenic by a clinical laboratory (ClinVar); Other NMD-predicted variant(s) comparable to the one identified in this case have very strong previous evidence for pathogenicity (DECIPHER). Additional information: This variant is heterozygous; This gene is associated with autosomal recessive disease; No published segregation evidence has been identified for this variant; No published functional evidence has been identified for this variant; Loss of function is a known mechanism of disease in this gene and is associated with leukodystrophy, hypomyelinating, 15 (MIM#617951).

Labcorp Genetics (formerly Invitae), Labcorp
Classification: Pathogenic. Last evaluated: 2023-05-30. Review status: criteria provided, single submitter. Criteria: Invitae Variant Classification Sherloc (09022015). Collection method: clinical testing. Allele origin: germline.
Comment: For these reasons, this variant has been classified as Pathogenic. This sequence change creates a premature translational stop signal (p.Gln985*) in the EPRS gene. It is expected to result in an absent or disrupted protein product. Loss-of-function variants in EPRS are known to be pathogenic (PMID: 29576217). This variant is not present in population databases (gnomAD no frequency). This variant has not been reported in the literature in individuals affected with EPRS-related conditions.

Literature cited by the submitters: PubMed 29576217 (cited by Labcorp Genetics (formerly Invitae), Labcorp).